The following is an entry in ClinVar:

NM_000090.4(COL3A1):c.2561C>T (p.Pro854Leu)

Gene: COL3A1 (collagen type III alpha 1 chain; plus strand). Cytogenetic location: 2q32.2.
Variant type: single nucleotide variant.
Coding change: c.2561C>T on transcript NM_000090.4 (MANE Select); coding-DNA position 2561, C replaced by T.
Protein change: p.Pro854Leu; replaces proline 854 with leucine.
Molecular consequence: missense variant.
Genome position (GRCh38, 1-based): chr2:189,003,418, C>T. VCF-style: chr2-189003418-C-T. GRCh37 (hg19) VCF-style: chr2-189868144-C-T.
Other names: short protein forms P854L.
Identifiers: ClinVar variation 3386469 (VCV003386469.1).

ClinVar aggregate classification (germline): Uncertain significance (1 of 4 stars; one submission).

Conditions:
Ehlers-Danlos syndrome, type 4 (EDSVASC). Also called: Ehlers-Danlos syndrome vascular type; Ehlers Danlos syndrome, ecchymotic type; Ehlers Danlos syndrome, arterial type; Ehlers Danlos syndrome, Sack-Barabas type; Ehlers-Danlos Syndrome Type IV. Identifiers: Orphanet 286, MedGen C0268338, MONDO:0017314, OMIM 130050.

Submission:

All of Us Research Program, National Institutes of Health
Classification: Uncertain significance for Ehlers-Danlos syndrome, type 4. Last evaluated: 2024-03-24. Review status: criteria provided, single submitter. Criteria: ACMG Guidelines, 2015. Collection method: clinical testing. Allele origin: germline. Inheritance: Autosomal dominant inheritance. Observed: 1 variant allele, 1 heterozygote.
Comment: This missense variant replaces proline with leucine at codon 854 of the COL3A1 protein. Computational prediction is inconclusive regarding the impact of this variant on protein structure and function (internally defined REVEL score threshold 0.5 < inconclusive < 0.7, PMID: 27666373). To our knowledge, functional studies have not been reported for this variant. This variant has not been reported in individuals affected with COL3A1-related disorders in the literature. This variant has not been identified in the general population by the Genome Aggregation Database (gnomAD). The available evidence is insufficient to determine the role of this variant in disease conclusively. Therefore, this variant is classified as a Variant of Uncertain Significance.

This study involves interpretation of variants in research participants for the purpose of population health screening. Participant phenotype was not available at the time of variant classification. Additional details can be found in publication PMID: 35346344, PMCID: PMC8962531